The following is an entry in ClinVar:

NM_004870.4(MPDU1):c.169+9C>G

Gene: MPDU1 (mannose-P-dolichol utilization defect 1; plus strand). Cytogenetic location: 17p13.1.
Variant type: single nucleotide variant.
Coding change: c.169+9C>G on transcript NM_004870.4 (MANE Select); 9 bases into the intron after coding-DNA position 169, C replaced by G.
Molecular consequence: intron variant.
Genome position (GRCh38, 1-based): chr17:7,585,806, C>G. VCF-style: chr17-7585806-C-G. GRCh37 (hg19) VCF-style: chr17-7489124-C-G.
Other names: c.169+9C>G (NM_001330073.1).
Identifiers: ClinVar variation 4979593 (VCV004979593.1).

ClinVar aggregate classification (germline): Likely benign (1 of 4 stars; one submission).

Conditions:
MPDU1-related disorder. Also called: MPDU1-related condition.

Submission:

PreventionGenetics, part of Exact Sciences
Classification: Likely benign for MPDU1-related condition. Last evaluated: 2025-08-04. Review status: criteria provided, single submitter. Criteria: ACMG Guidelines, 2015. Collection method: clinical testing. Allele origin: germline.
Comment: This variant is classified as likely benign based on ACMG/AMP sequence variant interpretation guidelines (Richards et al. 2015 PMID: 25741868, with internal and published modifications).